The following is an entry in ClinVar:

NM_002971.6(SATB1):c.1100C>A (p.Thr367Asn)

Gene: SATB1 (SATB homeobox 1; minus strand). Cytogenetic location: 3p24.3.
Variant type: single nucleotide variant.
Coding change: c.1100C>A on transcript NM_002971.6 (MANE Select); coding-DNA position 1100, C replaced by A.
Protein change: p.Thr367Asn; replaces threonine 367 with asparagine.
Molecular consequence: missense variant.
Genome position (GRCh38, 1-based): chr3:18,394,568, G>T on the plus strand (C>A on the coding strand, the complement: SATB1 is on the minus strand). VCF-style: chr3-18394568-G-T. GRCh37 (hg19) VCF-style: chr3-18436060-G-T.
Other names: c.1100C>A (NM_001195470.2); c.1100C>A, p.Thr367Asn (NM_001131010.4, NM_001195470.3, NM_001322871.2 and 4 more transcripts); c.884C>A, p.Thr295Asn (NM_001322876.2); short protein forms T367N, T295N.
Identifiers: ClinVar variation 3950231 (VCV003950231.2).

ClinVar aggregate classification (germline): Uncertain significance. Review status: criteria provided, multiple submitters, no conflicts (2 of 4 stars). 2 submissions from 2 submitters: Uncertain significance (2). Last evaluated 2025-06-25.

Conditions:
Inborn genetic diseases. Identifiers: MedGen C0950123, MeSH D030342.

gnomAD v4.1: 3 of 1,614,132 alleles (0.00019%); highest among the groups gnomAD compares: Non-Finnish European, 0.00025%; no homozygotes.

Submissions (2):

GeneDx
Classification: Uncertain significance. Last evaluated: 2025-06-25. Review status: criteria provided, single submitter. Criteria: GeneDx Variant Classification Process June 2021. Collection method: clinical testing. Allele origin: germline. Affected: yes.
Comment: Not observed at significant frequency in large population cohorts (gnomAD); In silico analysis suggests that this missense variant does not alter protein structure/function; Has not been previously published as pathogenic or benign to our knowledge

Ambry Genetics
Classification: Uncertain significance for Inborn genetic diseases. Last evaluated: 2025-04-03. Review status: criteria provided, single submitter. Criteria: Ambry Variant Classification Scheme 2023. Collection method: clinical testing. Allele origin: germline.